The following is an entry in ClinVar:

NM_015898.4(ZBTB7A):c.1434C>T (p.Ser478=)

Gene: ZBTB7A (zinc finger and BTB domain containing 7A; minus strand). Cytogenetic location: 19p13.3.
Variant type: single nucleotide variant.
Coding change: c.1434C>T on transcript NM_015898.4 (MANE Select); coding-DNA position 1434, C replaced by T.
Protein change: p.Ser478=; no amino-acid change (serine 478 retained).
Molecular consequence: synonymous variant.
Genome position (GRCh38, 1-based): chr19:4,048,073, G>A on the plus strand (C>T on the coding strand, the complement: ZBTB7A is on the minus strand). VCF-style: chr19-4048073-G-A. GRCh37 (hg19) VCF-style: chr19-4048071-G-A.
Other names: c.1434C>T, p.Ser478= (NM_001317990.2).
Identifiers: ClinVar variation 4978445 (VCV004978445.1).

ClinVar aggregate classification (germline): Likely benign (1 of 4 stars; one submission).

Conditions:
ZBTB7A-related disorder. Also called: ZBTB7A-related condition.

gnomAD v4.1: 25 of 1,604,214 alleles (0.0016%); highest among the groups gnomAD compares: African/African-American, 0.0067%; no homozygotes.

Submission:

PreventionGenetics, part of Exact Sciences
Classification: Likely benign for ZBTB7A-related condition. Last evaluated: 2026-08-03. Review status: criteria provided, single submitter. Criteria: ACMG Guidelines, 2015. Collection method: clinical testing. Allele origin: germline.
Comment: This variant is classified as likely benign based on ACMG/AMP sequence variant interpretation guidelines (Richards et al. 2015 PMID: 25741868, with internal and published modifications).